The following is an entry in ClinVar:

ClinVar aggregate classification (germline): Uncertain significance (1 of 4 stars; one submission).

gnomAD v4.1: 1 of 1,614,160 alleles (0.000062%); highest among the groups gnomAD compares: Non-Finnish European, 0.000085%; no homozygotes.

Submission:

GeneDx
Classification: Uncertain significance. Last evaluated: 2023-06-03. Review status: criteria provided, single submitter. Criteria: GeneDx Variant Classification Process June 2021. Collection method: clinical testing. Allele origin: germline. Affected: yes.
Comment: Not observed at significant frequency in large population cohorts (gnomAD); In silico analysis supports that this missense variant has a deleterious effect on protein structure/function; Has not been previously published as pathogenic or benign to our knowledge

NM_001244926.2(PRPF4):c.1496T>C (p.Ile499Thr)

Gene: PRPF4 (pre-mRNA splicing tri-snRNP complex factor PRPF4; plus strand). Cytogenetic location: 9q32.
Variant type: single nucleotide variant.
Coding change: c.1496T>C on transcript NM_001244926.2 (MANE Select); coding-DNA position 1496, T replaced by C.
Protein change: p.Ile499Thr; replaces isoleucine 499 with threonine.
Molecular consequence: missense variant. On other transcripts: non-coding transcript variant (2).
Genome position (GRCh38, 1-based): chr9:113,291,590, T>C. VCF-style: chr9-113291590-T-C. GRCh37 (hg19) VCF-style: chr9-116053870-T-C.
Other names: c.770T>C, p.Ile257Thr (NM_001322266.2, NM_001322267.2); c.1499T>C, p.Ile500Thr (NM_004697.5); short protein forms I257T, I499T, I500T.
Identifiers: ClinVar variation 3359348 (VCV003359348.1).